The following is an entry in ClinVar:

NM_017671.5(FERMT1):c.1077G>A (p.Ala359=)

Gene: FERMT1 (FERM domain containing kindlin 1; minus strand). Cytogenetic location: 20p12.3.
Variant type: single nucleotide variant.
Coding change: c.1077G>A on transcript NM_017671.5 (MANE Select); coding-DNA position 1077, G replaced by A.
Protein change: p.Ala359=; no amino-acid change (alanine 359 retained).
Molecular consequence: synonymous variant.
Genome position (GRCh38, 1-based): chr20:6,096,914, C>T on the plus strand (G>A on the coding strand, the complement: FERMT1 is on the minus strand). VCF-style: chr20-6096914-C-T. GRCh37 (hg19) VCF-style: chr20-6077561-C-T.
Other names: c.1077G>A (NM_017671.4).
Identifiers: ClinVar variation 1566768 (VCV001566768.11), dbSNP rs34569233, ClinGen allele CA9758267.

ClinVar aggregate classification (germline): Likely benign. Review status: criteria provided, multiple submitters, no conflicts (2 of 4 stars). 3 submissions from 3 submitters: Likely benign (2). 1 of the submissions does not count toward it. Last evaluated 2026-02-01.

Conditions:
FERMT1-related disorder. Also called: FERMT1-related condition.

Allele frequency attached by ClinVar (database versions not stated): gnomAD exomes 0.00005 and 0.00007; ExAC 0.00006; 1000 Genomes Project 30x 0.00016; 1000 Genomes Project 0.00020; TOPMed 0.00020; gnomAD 0.00022 and 0.00023; ESP Exome Variant Server 0.00023.
gnomAD v4.1: 110 of 1,613,156 alleles (0.0068%); highest among the groups gnomAD compares: African/African-American, 0.045%; 1 homozygote.

Submissions (3):

Labcorp Genetics (formerly Invitae), Labcorp
Classification: Likely benign. Last evaluated: 2026-02-01. Review status: criteria provided, single submitter. Criteria: Invitae Variant Classification Sherloc (09022015). Collection method: clinical testing. Allele origin: germline.

Blueprint Genetics
Classification: Likely benign. Last evaluated: 2023-11-28. Review status: criteria provided, single submitter. Criteria: ACMG Guidelines, 2015. Collection method: clinical testing. Allele origin: germline.

PreventionGenetics, part of Exact Sciences
Classification: Likely benign for FERMT1-related condition. Last evaluated: 2021-12-20. Review status: no assertion criteria provided. Collection method: clinical testing. Allele origin: germline. Not counted in ClinVar's aggregate classification.
Comment: This variant is classified as likely benign based on ACMG/AMP sequence variant interpretation guidelines (Richards et al. 2015 PMID: 25741868, with internal and published modifications).